The following is an entry in ClinVar:

ClinVar aggregate classification (germline): Uncertain significance. Review status: criteria provided, multiple submitters, no conflicts (2 of 4 stars). 10 submissions from 6 submitters: Uncertain significance (10). Last evaluated 2025-01-17.

Conditions:
Tibial muscular dystrophy (TMD). Also called: Udd Distal Myopathy – Tibial Muscular Dystrophy; UDD MYOPATHY; Tibial muscular dystrophy, tardive. Identifiers: Orphanet 609, MedGen C1838244, MONDO:0010870, OMIM 600334.
Cardiovascular phenotype. Identifiers: MedGen CN230736.
Early-onset myopathy with fatal cardiomyopathy (CMYO5). Also called: CONGENITAL MYOPATHY 5 WITH CARDIOMYOPATHY; Salih Myopathy. Identifiers: Orphanet 289377, MedGen C2673677, MONDO:0012714, OMIM 611705. Disease mechanism: loss of function.
Myopathy, myofibrillar, 9, with early respiratory failure (MFM9). Also called: Myopathy, distal, with early respiratory failure, autosomal dominant; Hereditary myopathy with early respiratory failure; EDSTROM MYOPATHY; MYOPATHY, PROXIMAL, WITH EARLY RESPIRATORY MUSCLE INVOLVEMENT. Identifiers: Orphanet 178464, Orphanet 34521, MedGen C1863599, MONDO:0011362, OMIM 603689.
Autosomal recessive limb-girdle muscular dystrophy type 2J (LGMDR10). Also called: MUSCULAR DYSTROPHY, LIMB-GIRDLE, AUTOSOMAL RECESSIVE 10; Limb-girdle muscular dystrophy, type 2J. Identifiers: Orphanet 140922, MedGen C1837342, MONDO:0012127, OMIM 608807.
Dilated cardiomyopathy 1G (CMD1G). Identifiers: Orphanet 154, MedGen C1858763, MONDO:0011400, OMIM 604145.

Allele frequency attached by ClinVar (database versions not stated): ExAC 0.00002; gnomAD exomes 0.00002 and 0.00011; TOPMed 0.00002; gnomAD 0.00004 and 0.00005; 1000 Genomes Project 0.00020; 1000 Genomes Project 30x 0.00031.
gnomAD v4.1: 167 of 1,613,576 alleles (0.01%); highest among the groups gnomAD compares: Non-Finnish European, 0.013%; no homozygotes.

Submissions (10):

Mayo Clinic Laboratories, Mayo Clinic
Classification: Uncertain significance. Last evaluated: 2025-01-17. Review status: criteria provided, single submitter. Criteria: ACMG Guidelines, 2015. Collection method: clinical testing. Allele origin: germline. Observed: 1 variant allele.
Comment: BP4

Revvity Omics, Revvity
Classification: Uncertain significance. Last evaluated: 2024-09-26. Review status: criteria provided, single submitter. Criteria: ACMG Guidelines, 2015. Collection method: clinical testing. Allele origin: germline.

Pittsburgh Clinical Genomics Laboratory, University of Pittsburgh Medical Center
Classification: Uncertain significance for Autosomal recessive limb-girdle muscular dystrophy type 2J. Last evaluated: 2021-07-02. Review status: criteria provided, single submitter. Criteria: ACMG Guidelines, 2015. Collection method: clinical testing. Allele origin: germline. Inheritance: Autosomal recessive inheritance. Affected: yes.
Comment: This sequence variant is a single nucleotide substitution (G>A) that results in an arginine to glutamine amino acid change at residue 3494 of the Titin protein. This is a previously reported variant (ClinVar) that has not been observed in individuals with TTN-related disease in the literature, to our knowledge. This variant is rare in control population datasets (gnomAD database, 7 of ? alleles, or 0.003%). Multiple bioinformatic tools predict that this variant would be tolerated, and the Arg3494 residue is moderately conserved across the mammalian species examined. Functiol studies examining the effect of this variant have not been performed, to our knowledge. At this time, there is insufficient evidence to determine if this variant is pathogenic or benign. Therefore, we consider this to be a variant of uncertain significance. ACMG Criteria: BP4, PM2

Ambry Genetics
Classification: Uncertain significance for Cardiovascular phenotype. Last evaluated: 2019-06-27. Review status: criteria provided, single submitter. Criteria: Ambry Variant Classification Scheme 2023. Collection method: clinical testing. Allele origin: germline.
Comment: The p.R4375Q variant (also known as c.13124G>A), located in coding exon 45 of the TTN gene, results from a G to A substitution at nucleotide position 13124. The arginine at codon 4375 is replaced by glutamine, an amino acid with highly similar properties. This amino acid position is not well conserved in available vertebrate species. In addition, this alteration is predicted to be tolerated by in silico analysis. Since supporting evidence is limited at this time, the clinical significance of this alteration remains unclear.

Illumina Laboratory Services, Illumina
Classification: Uncertain significance for Tibial muscular dystrophy. Last evaluated: 2018-01-13. Review status: criteria provided, single submitter. Criteria: ICSL Variant Classification Criteria 13 December 2019. Collection method: clinical testing. Allele origin: germline.

Illumina Laboratory Services, Illumina
Classification: Uncertain significance for Dilated cardiomyopathy 1G. Last evaluated: 2018-01-13. Review status: criteria provided, single submitter. Criteria: ICSL Variant Classification Criteria 13 December 2019. Collection method: clinical testing. Allele origin: germline.

Illumina Laboratory Services, Illumina
Classification: Uncertain significance for Early-onset myopathy with fatal cardiomyopathy. Last evaluated: 2018-01-13. Review status: criteria provided, single submitter. Criteria: ICSL Variant Classification Criteria 13 December 2019. Collection method: clinical testing. Allele origin: germline.

Illumina Laboratory Services, Illumina
Classification: Uncertain significance for Autosomal recessive limb-girdle muscular dystrophy type 2J. Last evaluated: 2018-01-13. Review status: criteria provided, single submitter. Criteria: ICSL Variant Classification Criteria 13 December 2019. Collection method: clinical testing. Allele origin: germline.

Illumina Laboratory Services, Illumina
Classification: Uncertain significance for Myopathy, myofibrillar, 9, with early respiratory failure. Last evaluated: 2018-01-13. Review status: criteria provided, single submitter. Criteria: ICSL Variant Classification Criteria 13 December 2019. Collection method: clinical testing. Allele origin: germline.

Breakthrough Genomics
Classification: Uncertain significance. Review status: criteria provided, single submitter. Criteria: ACMG Guidelines, 2015. Collection method: not provided. Allele origin: germline. Inheritance: Autosomal recessive inheritance. Affected: yes.

NM_001267550.2(TTN):c.14213G>A (p.Arg4738Gln)

Gene: TTN (titin; minus strand). Cytogenetic location: 2q31.2.
Variant type: single nucleotide variant.
Coding change: c.14213G>A on transcript NM_001267550.2 (MANE Select); coding-DNA position 14213, G replaced by A.
Protein change: p.Arg4738Gln; replaces arginine 4738 with glutamine.
Molecular consequence: missense variant.
Genome position (GRCh38, 1-based): chr2:178,738,240, C>T on the plus strand (G>A on the coding strand, the complement: TTN is on the minus strand). VCF-style: chr2-178738240-C-T. GRCh37 (hg19) VCF-style: chr2-179602967-C-T.
Other names: p.Arg4421Gln; c.13262G>A, p.Arg4421Gln (NM_001256850.1); c.13124G>A, p.Arg4375Gln (NM_003319.4); c.10481G>A, p.Arg3494Gln (NM_133378.4); c.13499G>A, p.Arg4500Gln (NM_133432.3); c.13700G>A, p.Arg4567Gln (NM_133437.4); short protein forms R4738Q, R3494Q, R4375Q, R4567Q, R4500Q, R4421Q.
Identifiers: ClinVar variation 332936 (VCV000332936.14), dbSNP rs553541436, ClinGen allele CA2002448.
Genomic context (GRCh38, chr2:178,738,240, plus strand): 5'-TCAAGGCTGGAGATATACTTTGAAGATCGAATAGAACACTTGTCACTCTCATAAATTTCT[C>T]GGCCAGCTTTAAACCACTGGAACCGGACATTGGGAGCACTTTGGATCTCACAGGTGAATT-3'
Protein context (NP_001254479.2, residues 4728-4748): NVRFQWFKAG[Arg4738Gln]EIYESDKCSI